The following is an entry in ClinVar:

NM_004448.4(ERBB2):c.2327G>C (p.Gly776Ala)

Gene: ERBB2 (erb-b2 receptor tyrosine kinase 2; plus strand). Cytogenetic location: 17q12.
Variant type: single nucleotide variant.
Coding change: c.2327G>C on transcript NM_004448.4 (MANE Select); coding-DNA position 2327, G replaced by C.
Protein change: p.Gly776Ala; replaces glycine 776 with alanine.
Molecular consequence: missense variant. On other transcripts: non-coding transcript variant (1), intron variant (2).
Genome position (GRCh38, 1-based): chr17:39,724,745, G>C. VCF-style: chr17-39724745-G-C. GRCh37 (hg19) VCF-style: chr17-37880998-G-C.
Other names: c.2237G>C, p.Gly746Ala (NM_001005862.3, NM_001382782.1, NM_001382783.1); c.2282G>C, p.Gly761Ala (NM_001289936.2); c.2327G>C, p.Gly776Ala (NM_001289937.2, NM_001382796.1, NM_001382798.1); c.2444G>C, p.Gly815Ala (NM_001382784.1); c.2429G>C, p.Gly810Ala (NM_001382785.1); c.2408G>C, p.Gly803Ala (NM_001382786.1); c.2402G>C, p.Gly801Ala (NM_001382787.1); c.2357G>C, p.Gly786Ala (NM_001382788.1); and 13 more; short protein forms G430A, G500A, G760A, G764A, G775A, G786A, G801A, G810A.
Identifiers: ClinVar variation 2717487 (VCV002717487.3), dbSNP rs144434331, ClinGen allele CA8534281.

ClinVar aggregate classification (germline): Uncertain significance (1 of 4 stars; one submission).

Allele frequency attached by ClinVar (database versions not stated): TOPMed 0.00002; ESP Exome Variant Server 0.00008.
gnomAD v4.1: 35 of 1,614,178 alleles (0.0022%); highest among the groups gnomAD compares: Non-Finnish European, 0.003%; no homozygotes.

Submission:

Labcorp Genetics (formerly Invitae), Labcorp
Classification: Uncertain significance. Last evaluated: 2023-01-29. Review status: criteria provided, single submitter. Criteria: Invitae Variant Classification Sherloc (09022015). Collection method: clinical testing. Allele origin: germline.
Comment: In summary, the available evidence is currently insufficient to determine the role of this variant in disease. Therefore, it has been classified as a Variant of Uncertain Significance. This sequence change replaces glycine, which is neutral and non-polar, with alanine, which is neutral and non-polar, at codon 776 of the ERBB2 protein (p.Gly776Ala). This variant is present in population databases (rs144434331, gnomAD 0.002%). This variant has not been reported in the literature in individuals affected with ERBB2-related conditions. Advanced modeling of protein sequence and biophysical properties (such as structural, functional, and spatial information, amino acid conservation, physicochemical variation, residue mobility, and thermodynamic stability) has been performed at Invitae for this missense variant, however the output from this modeling did not meet the statistical confidence thresholds required to predict the impact of this variant on ERBB2 protein function.